The following is an entry in ClinVar:

ClinVar aggregate classification (germline): Likely benign (1 of 4 stars; one submission).

Conditions:
B9D1-related disorder. Also called: B9D1-related condition; B9D1-related disorders.

Submission:

PreventionGenetics, part of Exact Sciences
Classification: Likely benign for B9D1-related condition. Last evaluated: 2026-04-27. Review status: criteria provided, single submitter. Criteria: ACMG Guidelines, 2015. Collection method: clinical testing. Allele origin: germline.
Comment: This variant is classified as likely benign based on ACMG/AMP sequence variant interpretation guidelines (Richards et al. 2015 PMID: 25741868, with internal and published modifications).

NM_015681.6(B9D1):c.472+164A>G

Gene: B9D1 (B9 domain containing 1; minus strand). Cytogenetic location: 17p11.2.
Variant type: single nucleotide variant.
Coding change: c.472+164A>G on transcript NM_015681.6 (MANE Select); 164 bases into the intron after coding-DNA position 472, A replaced by G.
Molecular consequence: intron variant. On other transcripts: 3 prime UTR variant (1).
Genome position (GRCh38, 1-based): chr17:19,343,626, T>C on the plus strand (A>G on the coding strand, the complement: B9D1 is on the minus strand). VCF-style: chr17-19343626-T-C. GRCh37 (hg19) VCF-style: chr17-19246939-T-C.
Other names: NM_001243473.2:c.695A>G; c.*84A>G (NM_001321215.3); c.112+164A>G (NM_001368769.2); c.404+3643A>G (NM_001321219.2); c.472+164A>G (NM_001321218.2, NM_001321217.2); c.473-76A>G (NM_001321214.2); c.473-131A>G (NM_001330149.2).
Identifiers: ClinVar variation 4989753 (VCV004989753.1).